The following is an entry in ClinVar:

NM_001170629.2(CHD8):c.2200C>G (p.His734Asp)

Gene: CHD8 (chromodomain helicase DNA binding protein 8; minus strand). Cytogenetic location: 14q11.2.
Variant type: single nucleotide variant.
Coding change: c.2200C>G on transcript NM_001170629.2 (MANE Select); coding-DNA position 2200, C replaced by G.
Protein change: p.His734Asp; replaces histidine 734 with aspartic acid.
Molecular consequence: missense variant.
Genome position (GRCh38, 1-based): chr14:21,412,939, G>C on the plus strand (C>G on the coding strand, the complement: CHD8 is on the minus strand). VCF-style: chr14-21412939-G-C. GRCh37 (hg19) VCF-style: chr14-21881098-G-C.
Other names: c.1363C>G, p.His455Asp (NM_020920.4); short protein forms H455D, H734D.
Identifiers: ClinVar variation 422329 (VCV000422329.2), dbSNP rs1064795709, ClinGen allele CA16619838.

ClinVar aggregate classification (germline): Uncertain significance (1 of 4 stars; one submission).

Submission:

GeneDx
Classification: Uncertain significance. Last evaluated: 2016-10-06. Review status: criteria provided, single submitter. Criteria: GeneDx Variant Classification (06012015). Collection method: clinical testing. Allele origin: germline. Affected: yes.
Comment: The H734D variant in the CHD8 gene has not been reported previously as a pathogenic variant, nor as a benign variant, to our knowledge. The H734D variant was not observed in approximately 6100 individuals of European and African American ancestry in the NHLBI Exome Sequencing Project, indicating it is not a common benign variant in these populations. The H734D variant is a non-conservative amino acid substitution, which is likely to impact secondary protein structure as these residues differ in polarity, charge, size and/or other properties. This substitution occurs at a position that is conserved across species. In silico analysis predicts this variant is probably damaging to the protein structure/function. We interpret H734D as a variant of uncertain significance